The following is an entry in ClinVar:

ClinVar aggregate classification (germline): Uncertain significance. Review status: criteria provided, multiple submitters, no conflicts (2 of 4 stars). 3 submissions from 3 submitters: Uncertain significance (3). Last evaluated 2024-03-06.

Conditions:
Familial adenomatous polyposis 1 (FAP1). Also called: FAMILIAL ADENOMATOUS POLYPOSIS 1, ATTENUATED; POLYPOSIS, ADENOMATOUS INTESTINAL. Identifiers: MedGen C2713442, MONDO:0021056, OMIM 175100. Disease mechanism: loss of function.
Hereditary cancer-predisposing syndrome. Also called: Neoplastic Syndromes, Hereditary; Tumor predisposition; Hereditary neoplastic syndrome; Hereditary Cancer Syndrome. Identifiers: Orphanet 140162, MedGen C0027672, MeSH D009386, MONDO:0015356.

Allele frequency attached by ClinVar (database versions not stated): gnomAD exomes below 0.00001; gnomAD 0.00001.
gnomAD v4.1: 2 of 1,613,994 alleles (0.00012%); highest among the groups gnomAD compares: East Asian, 0.0022%; no homozygotes.

Submissions (3):

Color Diagnostics, LLC DBA Color Health
Classification: Uncertain significance for Hereditary cancer-predisposing syndrome. Last evaluated: 2024-03-06. Review status: criteria provided, single submitter. Criteria: ACMG Guidelines, 2015. Collection method: clinical testing. Allele origin: germline.
Comment: This missense variant replaces asparagine with serine at codon 558 of the APC protein. Computational prediction tool suggests that this variant may not impact protein structure and function. Splice site prediction tools suggest that this variant may not impact RNA splicing. To our knowledge, functional studies have not been performed for this variant. This variant has not been reported in individuals affected with hereditary cancer in the literature. This variant has not been identified in the general population by the Genome Aggregation Database (gnomAD). The available evidence is insufficient to determine the role of this variant in disease conclusively. Therefore, this variant is classified as a Variant of Uncertain Significance.

Ambry Genetics
Classification: Uncertain significance for Hereditary cancer-predisposing syndrome. Last evaluated: 2023-08-29. Review status: criteria provided, single submitter. Criteria: Ambry Variant Classification Scheme 2023. Collection method: clinical testing. Allele origin: germline.
Comment: The p.N558S variant (also known as c.1673A>G), located in coding exon 13 of the APC gene, results from an A to G substitution at nucleotide position 1673. The asparagine at codon 558 is replaced by serine, an amino acid with highly similar properties. This amino acid position is conserved. In addition, in silico predictors for this gene do not accurately predict pathogenicity. Since supporting evidence is limited at this time, the clinical significance of this alteration remains unclear.

Labcorp Genetics (formerly Invitae), Labcorp
Classification: Uncertain significance for Familial adenomatous polyposis 1. Last evaluated: 2022-08-10. Review status: criteria provided, single submitter. Criteria: Invitae Variant Classification Sherloc (09022015). Collection method: clinical testing. Allele origin: germline.
Comment: Algorithms developed to predict the effect of sequence changes on RNA splicing suggest that this variant may create or strengthen a splice site. In summary, the available evidence is currently insufficient to determine the role of this variant in disease. Therefore, it has been classified as a Variant of Uncertain Significance. Algorithms developed to predict the effect of missense changes on protein structure and function (SIFT, PolyPhen-2, Align-GVGD) all suggest that this variant is likely to be tolerated. ClinVar contains an entry for this variant (Variation ID: 581076). This variant has not been reported in the literature in individuals affected with APC-related conditions. This variant is not present in population databases (gnomAD no frequency). This sequence change replaces asparagine, which is neutral and polar, with serine, which is neutral and polar, at codon 558 of the APC protein (p.Asn558Ser).

NM_000038.6(APC):c.1673A>G (p.Asn558Ser)

Gene: APC (APC regulator of Wnt signaling pathway; plus strand). Cytogenetic location: 5q22.2.
Variant type: single nucleotide variant.
Coding change: c.1673A>G on transcript NM_000038.6 (MANE Select); coding-DNA position 1673, A replaced by G.
Protein change: p.Asn558Ser; replaces asparagine 558 with serine.
Molecular consequence: missense variant.
Genome position (GRCh38, 1-based): chr5:112,828,902, A>G. VCF-style: chr5-112828902-A-G. GRCh37 (hg19) VCF-style: chr5-112164599-A-G.
Other names: c.1673A>G, p.Asn558Ser (NM_001127510.3, NM_001354895.2); c.1619A>G, p.Asn540Ser (NM_001127511.3); c.1727A>G, p.Asn576Ser (NM_001354896.2); c.1703A>G, p.Asn568Ser (NM_001354897.2); c.1598A>G, p.Asn533Ser (NM_001354898.2); c.1589A>G, p.Asn530Ser (NM_001354899.2); c.1550A>G, p.Asn517Ser (NM_001354900.2); c.1496A>G, p.Asn499Ser (NM_001354901.2); and 5 more; short protein forms N540S, N558S, N398S, N432S, N467S, N499S, N530S, N568S.
Identifiers: ClinVar variation 581076 (VCV000581076.15), dbSNP rs1381359478, ClinGen allele CA16024963.
Genomic context (GRCh38, chr5:112,828,902, plus strand): 5'-TGATTAATTTGCAGGTTATTGCGAGTGTTTTGAGGAATTTGTCTTGGCGAGCAGATGTAA[A>G]TAGTAAAAAGACGTTGCGAGAAGTTGGAAGTGTGAAAGCATTGATGGAATGTGCTTTAGA-3'
Protein context (NP_000029.2, residues 548-568): LRNLSWRADV[Asn558Ser]SKKTLREVGS